The following is an entry in ClinVar:

NM_001372.4(DNAH9):c.1294T>C (p.Ser432Pro)

Gene: DNAH9 (dynein axonemal heavy chain 9; plus strand). Cytogenetic location: 17p12.
Variant type: single nucleotide variant.
Coding change: c.1294T>C on transcript NM_001372.4 (MANE Select); coding-DNA position 1294, T replaced by C.
Protein change: p.Ser432Pro; replaces serine 432 with proline.
Molecular consequence: missense variant.
Genome position (GRCh38, 1-based): chr17:11,619,725, T>C. VCF-style: chr17-11619725-T-C. GRCh37 (hg19) VCF-style: chr17-11523042-T-C.
Other names: short protein forms S432P.
Identifiers: ClinVar variation 4768222 (VCV004768222.1).
Genomic context (GRCh38, chr17:11,619,725, plus strand): 5'-AGGGAGAATCTCCACACTTACTTCAAAGAGAACCAGGAAGTCAAGGAATGGGATTTCCAG[T>C]CTTCTTTGGTCTTTGTGCGATTGGATGGCTTCCTGGGACAACTGCACGTGGTGGAGGTGA-3'
Protein context (NP_001363.2, residues 422-442): NQEVKEWDFQ[Ser432Pro]SLVFVRLDGF

ClinVar aggregate classification (germline): Uncertain significance (1 of 4 stars; one submission).

Submission:

Labcorp Genetics (formerly Invitae), Labcorp
Classification: Uncertain significance. Last evaluated: 2025-11-25. Review status: criteria provided, single submitter. Criteria: Invitae Variant Classification Sherloc (09022015). Collection method: clinical testing. Allele origin: germline.
Comment: This sequence change replaces serine, which is neutral and polar, with proline, which is neutral and non-polar, at codon 432 of the DNAH9 protein (p.Ser432Pro). This variant is not present in population databases (gnomAD no frequency). This variant has not been reported in the literature in individuals affected with DNAH9-related conditions. An algorithm developed to predict the effect of missense changes on protein structure and function (PolyPhen-2) suggests that this variant is likely to be tolerated. In summary, the available evidence is currently insufficient to determine the role of this variant in disease. Therefore, it has been classified as a Variant of Uncertain Significance.